The following is an entry in ClinVar:

NM_001127222.2(CACNA1A):c.1668+1G>A

Gene: CACNA1A (calcium voltage-gated channel subunit alpha1 A; minus strand). Cytogenetic location: 19p13.13.
Variant type: single nucleotide variant.
Coding change: c.1668+1G>A on transcript NM_001127222.2 (MANE Select); the canonical splice donor site of the intron after coding-DNA position 1668, G replaced by A.
Molecular consequence: splice donor variant.
Genome position (GRCh38, 1-based): chr19:13,312,668, C>T on the plus strand (G>A on the coding strand, the complement: CACNA1A is on the minus strand). VCF-style: chr19-13312668-C-T. GRCh37 (hg19) VCF-style: chr19-13423482-C-T.
Other names: c.1671+1G>A (NM_001127221.2, NM_001174080.2, NM_000068.4 and 1 more transcripts).
Identifiers: ClinVar variation 4537757 (VCV004537757.1).

ClinVar aggregate classification (germline): Pathogenic (1 of 4 stars; one submission).

Submission:

GeneDx
Classification: Pathogenic. Last evaluated: 2025-06-12. Review status: criteria provided, single submitter. Criteria: GeneDx Variant Classification Process June 2021. Collection method: clinical testing. Allele origin: germline. Affected: yes.
Comment: Canonical splice site variant predicted to result in a null allele in a gene for which loss of function is a known mechanism of disease; Not observed at significant frequency in large population cohorts (gnomAD); Has not been previously published as pathogenic or benign to our knowledge